The following is an entry in ClinVar:

ClinVar aggregate classification (germline): Uncertain significance (1 of 4 stars; one submission).

gnomAD v4.1: 7 of 1,612,584 alleles (0.00043%); highest among the groups gnomAD compares: East Asian, 0.0022%; no homozygotes.

Submission:

Labcorp Genetics (formerly Invitae), Labcorp
Classification: Uncertain significance. Last evaluated: 2024-05-10. Review status: criteria provided, single submitter. Criteria: Invitae Variant Classification Sherloc (09022015). Collection method: clinical testing. Allele origin: germline.
Comment: This sequence change replaces arginine, which is basic and polar, with glutamine, which is neutral and polar, at codon 1219 of the FLNB protein (p.Arg1219Gln). This variant is present in population databases (rs773833093, gnomAD 0.006%). This variant has not been reported in the literature in individuals affected with FLNB-related conditions. Advanced modeling of protein sequence and biophysical properties (such as structural, functional, and spatial information, amino acid conservation, physicochemical variation, residue mobility, and thermodynamic stability) performed at Invitae indicates that this missense variant is not expected to disrupt FLNB protein function with a negative predictive value of 95%. In summary, the available evidence is currently insufficient to determine the role of this variant in disease. Therefore, it has been classified as a Variant of Uncertain Significance.

NM_001457.4(FLNB):c.3656G>A (p.Arg1219Gln)

Gene: FLNB (filamin B; plus strand). Cytogenetic location: 3p14.3.
Variant type: single nucleotide variant.
Coding change: c.3656G>A on transcript NM_001457.4 (MANE Select); coding-DNA position 3656, G replaced by A.
Protein change: p.Arg1219Gln; replaces arginine 1219 with glutamine.
Molecular consequence: missense variant.
Genome position (GRCh38, 1-based): chr3:58,123,622, G>A. VCF-style: chr3-58123622-G-A. GRCh37 (hg19) VCF-style: chr3-58109349-G-A.
Other names: c.3656G>A, p.Arg1219Gln (NM_001164317.2, NM_001164318.2, NM_001164319.2); short protein forms R1219Q.
Identifiers: ClinVar variation 3617944 (VCV003617944.2).